The following is an entry in ClinVar:

NM_000080.4(CHRNE):c.710G>A (p.Arg237His)

Genes: C17orf107 (chromosome 17 open reading frame 107; plus strand), CHRNE (cholinergic receptor nicotinic epsilon subunit; minus strand). Cytogenetic location: 17p13.2.
Variant type: single nucleotide variant.
Coding change: c.710G>A on transcript NM_000080.4 (MANE Select); coding-DNA position 710, G replaced by A.
Protein change: p.Arg237His; replaces arginine 237 with histidine.
Molecular consequence: missense variant. On other transcripts: 3 prime UTR variant (1).
Genome position (GRCh38, 1-based): chr17:4,901,082, C>T on the plus strand (G>A on the coding strand, the complement: CHRNE is on the minus strand). VCF-style: chr17-4901082-C-T. GRCh37 (hg19) VCF-style: chr17-4804377-C-T.
Other names: c.*549C>T (NM_001145536.2); short protein forms R237H.
Identifiers: ClinVar variation 568308 (VCV000568308.17), dbSNP rs201434993, ClinGen allele CA8314281.

ClinVar aggregate classification (germline): Uncertain significance. Review status: criteria provided, multiple submitters, no conflicts (2 of 4 stars). 6 submissions from 6 submitters: Uncertain significance (5). 1 of the submissions does not count toward it. Last evaluated 2025-11-22.

Conditions:
Inborn genetic diseases. Identifiers: MedGen C0950123, MeSH D030342.
Congenital myasthenic syndrome 4B. Also called: Myasthenic syndrome, congenital, 4b, fast-channel. Identifiers: Orphanet 590, MedGen C4225369, MONDO:0014586, OMIM 616324.
Congenital myasthenic syndrome 4A. Also called: Myasthenic syndrome, congenital, 4a, slow-channel; MYASTHENIC SYNDROME, CONGENITAL, 4A, SLOW-CHANNEL, AUTOSOMAL RECESSIVE; CONGENITAL MYASTHENIC SYNDROME TYPE Ia1. Identifiers: Orphanet 590, MedGen C4225413, MONDO:0011600, OMIM 605809.
Congenital myasthenic syndrome 4C (CMS4C). Also called: Myasthenic syndrome, congenital, associated with acetylcholine receptor deficiency. Identifiers: Orphanet 590, MedGen C1837091, MONDO:0012157, OMIM 608931.
Congenital myasthenic syndrome (CMS). Also called: Congenital Myasthenic Syndromes. Identifiers: Orphanet 590, MedGen C0751882, MeSH D020294, MONDO:0018940.

Allele frequency attached by ClinVar (database versions not stated): TOPMed 0.00003.
gnomAD v4.1: 35 of 1,613,702 alleles (0.0022%); highest among the groups gnomAD compares: Admixed American, 0.042%; no homozygotes.

Submissions (6):

Labcorp Genetics (formerly Invitae), Labcorp
Classification: Uncertain significance for Congenital myasthenic syndrome 4A. Last evaluated: 2025-11-22. Review status: criteria provided, single submitter. Criteria: Invitae Variant Classification Sherloc (09022015). Collection method: clinical testing. Allele origin: germline.
Comment: This sequence change replaces arginine, which is basic and polar, with histidine, which is basic and polar, at codon 237 of the CHRNE protein (p.Arg237His). This variant is present in population databases (rs201434993, gnomAD 0.03%). This variant has not been reported in the literature in individuals affected with CHRNE-related conditions. ClinVar contains an entry for this variant (Variation ID: 568308). Invitae Evidence Modeling of protein sequence and biophysical properties (such as structural, functional, and spatial information, amino acid conservation, physicochemical variation, residue mobility, and thermodynamic stability) indicates that this missense variant is not expected to disrupt CHRNE protein function with a negative predictive value of 80%. In summary, the available evidence is currently insufficient to determine the role of this variant in disease. Therefore, it has been classified as a Variant of Uncertain Significance.

Fulgent Genetics
Classification: Uncertain significance for Congenital myasthenic syndrome 4A; Congenital myasthenic syndrome 4C; Congenital myasthenic syndrome 4B. Last evaluated: 2022-04-18. Review status: criteria provided, single submitter. Criteria: ACMG Guidelines, 2015. Collection method: clinical testing. Allele origin: unknown.

Ambry Genetics
Classification: Uncertain significance for Inborn genetic diseases. Last evaluated: 2021-08-13. Review status: criteria provided, single submitter. Criteria: Ambry Variant Classification Scheme 2023. Collection method: clinical testing. Allele origin: germline.

Revvity Omics, Revvity
Classification: Uncertain significance. Last evaluated: 2020-02-10. Review status: criteria provided, single submitter. Criteria: ACMG Guidelines, 2015. Collection method: clinical testing. Allele origin: germline.

Illumina Laboratory Services, Illumina
Classification: Uncertain significance for Congenital myasthenic syndrome. Last evaluated: 2017-04-28. Review status: criteria provided, single submitter. Criteria: ICSL Variant Classification Criteria 13 December 2019. Collection method: clinical testing. Allele origin: germline.

Natera, Inc.
Classification: Uncertain significance for Congenital myasthenic syndrome. Last evaluated: 2019-10-28. Review status: no assertion criteria provided. Collection method: clinical testing. Allele origin: germline. Not counted in ClinVar's aggregate classification.